The following is an entry in ClinVar:

ClinVar aggregate classification (germline): Benign. Review status: criteria provided, multiple submitters, no conflicts (2 of 4 stars). 2 submissions from 2 submitters: Benign (2). Last evaluated 2018-01-12.

Conditions:
Essential fructosuria. Also called: HEPATIC FRUCTOKINASE DEFICIENCY; KETOHEXOKINASE DEFICIENCY. Identifiers: Orphanet 2056, MedGen C0268160, MONDO:0009252, OMIM 229800.

Allele frequency attached by ClinVar (database versions not stated): gnomAD exomes 0.00093; 1000 Genomes Project 0.00919; 1000 Genomes Project 30x 0.00937; gnomAD 0.00955 and 0.01034; TOPMed 0.01070.
gnomAD v4.1: 2,390 of 1,124,060 alleles (0.21%); highest among the groups gnomAD compares: African/African-American, 3.5%; 44 homozygotes.

Submissions (2):

Illumina Laboratory Services, Illumina
Classification: Benign for Essential fructosuria. Last evaluated: 2018-01-12. Review status: criteria provided, single submitter. Criteria: ICSL Variant Classification Criteria 13 December 2019. Collection method: clinical testing. Allele origin: germline.
Comment: This variant was observed in the ICSL laboratory as part of a predisposition screen in an ostensibly healthy population. It had not been previously curated by ICSL or reported in the Human Gene Mutation Database (HGMD: prior to June 1st, 2018), and was therefore a candidate for classification through an automated scoring system. Utilizing variant allele frequency, disease prevalence and penetrance estimates, and inheritance mode, an automated score was calculated to assess if this variant is too frequent to cause the disease. Based on the score and internal cut-off values, a variant classified as benign is not then subjected to further curation. The score for this variant resulted in a classification of benign for this disease.

Breakthrough Genomics
Classification: Benign. Review status: criteria provided, single submitter. Criteria: ACMG Guidelines, 2015. Collection method: not provided. Allele origin: germline. Inheritance: Autosomal recessive inheritance. Affected: yes.

NM_006488.3(KHK):c.*1009T>G

Genes: KHK (ketohexokinase; plus strand), CGREF1 (cell growth regulator with EF-hand domain 1; minus strand). Cytogenetic location: 2p23.3.
Variant type: single nucleotide variant.
Coding change: c.*1009T>G on transcript NM_006488.3 (MANE Select); 1009 bases downstream of the stop codon, T replaced by G.
Molecular consequence: 3 prime UTR variant. On other transcripts: intron variant (2).
Genome position (GRCh38, 1-based): chr2:27,100,759, T>G. VCF-style: chr2-27100759-T-G. GRCh37 (hg19) VCF-style: chr2-27323627-T-G.
Other names: c.*515A>C (NM_001166239.2, NM_006569.6); c.*1009T>G (NM_000221.3); c.287-217A>C (NM_001301324.2); c.343-919A>C (NM_001166240.2).
Identifiers: ClinVar variation 369340 (VCV000369340.6), dbSNP rs78413769, ClinGen allele CA10654623.